The following is an entry in ClinVar:

ClinVar aggregate classification (germline): Uncertain significance. Review status: criteria provided, multiple submitters, no conflicts (2 of 4 stars). 2 submissions from 2 submitters: Uncertain significance (2). Last evaluated 2022-12-22.

Conditions:
Walker-Warburg congenital muscular dystrophy. Also called: Muscular dystrophy-dystroglycanopathy, type A; Walker-Warburg syndrome. Identifiers: Orphanet 899, MedGen C0265221, MONDO:0000171.

Allele frequency attached by ClinVar (database versions not stated): gnomAD exomes below 0.00001.
gnomAD v4.1: 2 of 1,569,866 alleles (0.00013%); highest among the groups gnomAD compares: Non-Finnish European, 0.00017%; no homozygotes.

Submissions (2):

Women's Health and Genetics/Laboratory Corporation of America, LabCorp
Classification: Uncertain significance. Last evaluated: 2022-12-22. Review status: criteria provided, single submitter. Criteria: LabCorp Variant Classification Summary - May 2015. Collection method: clinical testing. Allele origin: germline.
Comment: Variant summary: FKRP c.280C>T (p.Pro94Ser) results in a non-conservative amino acid change in the encoded protein sequence. Four of five in-silico tools predict a damaging effect of the variant on protein function. The variant was absent in 182826 control chromosomes. The available data on variant occurrences in the general population are insufficient to allow any conclusion about variant significance. c.280C>T has been reported in the literature in one heterozygous individual affected with Limb-Girdle Muscular Dystrophy, Autosomal Recessive (Guglieri_2007) in the absence of another variant. This report does not provide unequivocal conclusions about association of the variant with Limb-Girdle Muscular Dystrophy, Autosomal Recessive. To our knowledge, no experimental evidence demonstrating an impact on protein function has been reported. No clinical diagnostic laboratories have submitted clinical-significance assessments for this variant to ClinVar after 2014. Based on the evidence outlined above, the variant was classified as uncertain significance.

Labcorp Genetics (formerly Invitae), Labcorp
Classification: Uncertain significance for Walker-Warburg congenital muscular dystrophy. Last evaluated: 2022-02-12. Review status: criteria provided, single submitter. Criteria: Invitae Variant Classification Sherloc (09022015). Collection method: clinical testing. Allele origin: germline.
Comment: This sequence change replaces proline, which is neutral and non-polar, with serine, which is neutral and polar, at codon 94 of the FKRP protein (p.Pro94Ser). This variant is not present in population databases (gnomAD no frequency). This missense change has been observed in individual(s) with limb-girdle muscular dystrophy (PMID: 17994539). Algorithms developed to predict the effect of missense changes on protein structure and function are either unavailable or do not agree on the potential impact of this missense change (SIFT: "Tolerated"; PolyPhen-2: "Probably Damaging"; Align-GVGD: "Class C0"). In summary, the available evidence is currently insufficient to determine the role of this variant in disease. Therefore, it has been classified as a Variant of Uncertain Significance.

Literature cited by the submitters: PubMed 17994539 (cited by Women's Health and Genetics/Laboratory Corporation of America, LabCorp and Labcorp Genetics (formerly Invitae), Labcorp).

NM_024301.5(FKRP):c.280C>T (p.Pro94Ser)

Gene: FKRP (fukutin related protein; plus strand). Cytogenetic location: 19q13.32.
Variant type: single nucleotide variant.
Coding change: c.280C>T on transcript NM_024301.5 (MANE Select); coding-DNA position 280, C replaced by T.
Protein change: p.Pro94Ser; replaces proline 94 with serine.
Molecular consequence: missense variant.
Genome position (GRCh38, 1-based): chr19:46,755,730, C>T. VCF-style: chr19-46755730-C-T. GRCh37 (hg19) VCF-style: chr19-47258987-C-T.
Other names: c.280C>T, p.Pro94Ser (NM_001039885.3); short protein forms P94S.
Identifiers: ClinVar variation 1812773 (VCV001812773.3), dbSNP rs1229238456, ClinGen allele CA406495019.